The following is an entry in ClinVar:

NM_001077653.2(TBX20):c.1333C>G (p.Pro445Ala)

Gene: TBX20 (T-box transcription factor 20; minus strand). Cytogenetic location: 7p14.2.
Variant type: single nucleotide variant.
Coding change: c.1333C>G on transcript NM_001077653.2 (MANE Select); coding-DNA position 1333, C replaced by G.
Protein change: p.Pro445Ala; replaces proline 445 with alanine.
Molecular consequence: missense variant.
Genome position (GRCh38, 1-based): chr7:35,202,441, G>C on the plus strand (C>G on the coding strand, the complement: TBX20 is on the minus strand). VCF-style: chr7-35202441-G-C. GRCh37 (hg19) VCF-style: chr7-35242053-G-C.
Other names: short protein forms P445A.
Identifiers: ClinVar variation 4717871 (VCV004717871.1).

ClinVar aggregate classification (germline): Uncertain significance (1 of 4 stars; one submission).

Submission:

Labcorp Genetics (formerly Invitae), Labcorp
Classification: Uncertain significance. Last evaluated: 2025-04-18. Review status: criteria provided, single submitter. Criteria: Invitae Variant Classification Sherloc (09022015). Collection method: clinical testing. Allele origin: germline.
Comment: This sequence change replaces proline, which is neutral and non-polar, with alanine, which is neutral and non-polar, at codon 445 of the TBX20 protein (p.Pro445Ala). This variant is not present in population databases (gnomAD no frequency). This variant has not been reported in the literature in individuals affected with TBX20-related conditions. An algorithm developed to predict the effect of missense changes on protein structure and function (PolyPhen-2) suggests that this variant is likely to be tolerated. In summary, the available evidence is currently insufficient to determine the role of this variant in disease. Therefore, it has been classified as a Variant of Uncertain Significance.